The following is an entry in ClinVar:

ClinVar aggregate classification (germline): Uncertain significance. Review status: criteria provided, multiple submitters, no conflicts (2 of 4 stars). 2 submissions from 2 submitters: Uncertain significance (2). Last evaluated 2026-03-03.

Conditions:
BBIP1-related disorder. Also called: BBIP1-related condition.

Submissions (2):

PreventionGenetics, part of Exact Sciences
Classification: Uncertain significance for BBIP1-related condition. Last evaluated: 2026-03-03. Review status: criteria provided, single submitter. Criteria: ACMG Guidelines, 2015. Collection method: clinical testing. Allele origin: germline.
Comment: The BBIP1 c.36A>G variant is not predicted to result in an amino acid change (p.=). This variant is predicted to alter splicing based on available splicing prediction programs (SpliceAI, Jaganathan et al. 2019. PubMed ID: 30661751). To our knowledge, this variant has not been reported in the literature or in a large population database (gnomAD), indicating this variant is rare. At this time, the clinical significance of this variant is uncertain due to the absence of conclusive functional and genetic evidence.

Labcorp Genetics (formerly Invitae), Labcorp
Classification: Uncertain significance. Last evaluated: 2025-04-03. Review status: criteria provided, single submitter. Criteria: Invitae Variant Classification Sherloc (09022015). Collection method: clinical testing. Allele origin: germline.
Comment: This sequence change affects codon 12 of the BBIP1 mRNA. It is a 'silent' change, meaning that it does not change the encoded amino acid sequence of the BBIP1 protein. It affects a nucleotide within the consensus splice site. This variant is not present in population databases (gnomAD no frequency). This variant has not been reported in the literature in individuals affected with BBIP1-related conditions. Algorithms developed to predict the effect of sequence changes on RNA splicing suggest that this variant may disrupt the consensus splice site. In summary, the available evidence is currently insufficient to determine the role of this variant in disease. Therefore, it has been classified as a Variant of Uncertain Significance.

NM_001195305.3(BBIP1):c.36A>G (p.Ser12=)

Gene: BBIP1 (BBSome interacting protein 1; minus strand). Cytogenetic location: 10q25.2.
Variant type: single nucleotide variant.
Coding change: c.36A>G on transcript NM_001195305.3 (MANE Select); coding-DNA position 36, A replaced by G.
Protein change: p.Ser12=; no amino-acid change (serine 12 retained).
Molecular consequence: synonymous variant. On other transcripts: intron variant (1).
Genome position (GRCh38, 1-based): chr10:110,918,122, T>C on the plus strand (A>G on the coding strand, the complement: BBIP1 is on the minus strand). VCF-style: chr10-110918122-T-C. GRCh37 (hg19) VCF-style: chr10-112677880-T-C.
Other names: c.36A>G (NM_001195306.1); c.36A>G, p.Ser12= (NM_001195304.2, NM_001195306.2, NM_001195307.2); c.-30+999A>G (NM_001243783.3).
Identifiers: ClinVar variation 4716678 (VCV004716678.2).